The following is an entry in ClinVar:

ClinVar aggregate classification (germline): Uncertain significance. Review status: criteria provided, multiple submitters, no conflicts (2 of 4 stars). 2 submissions from 2 submitters: Uncertain significance (2). Last evaluated 2024-11-26.

Conditions:
Epileptic encephalopathy. Identifiers: MedGen C0543888, HP:0200134.

Allele frequency attached by ClinVar (database versions not stated): gnomAD exomes 0.00001; ExAC 0.00003; gnomAD 0.00005; TOPMed 0.00006; ESP Exome Variant Server 0.00008; 1000 Genomes Project 30x 0.00016; 1000 Genomes Project 0.00020.
gnomAD v4.1: 27 of 1,612,792 alleles (0.0017%); highest among the groups gnomAD compares: African/African-American, 0.015%; no homozygotes.

Submissions (2):

Ambry Genetics
Classification: Uncertain significance. Last evaluated: 2024-11-26. Review status: criteria provided, single submitter. Criteria: Ambry Variant Classification Scheme 2023. Collection method: clinical testing. Allele origin: germline.

Labcorp Genetics (formerly Invitae), Labcorp
Classification: Uncertain significance for Epileptic encephalopathy. Last evaluated: 2023-11-06. Review status: criteria provided, single submitter. Criteria: Invitae Variant Classification Sherloc (09022015). Collection method: clinical testing. Allele origin: germline.
Comment: This sequence change replaces glycine, which is neutral and non-polar, with serine, which is neutral and polar, at codon 1998 of the FASN protein (p.Gly1998Ser). The frequency data for this variant in the population databases is considered unreliable, as metrics indicate poor data quality at this position in the gnomAD database. This variant has not been reported in the literature in individuals affected with FASN-related conditions. ClinVar contains an entry for this variant (Variation ID: 2083080). An algorithm developed to predict the effect of missense changes on protein structure and function (PolyPhen-2) suggests that this variant is likely to be disruptive. In summary, the available evidence is currently insufficient to determine the role of this variant in disease. Therefore, it has been classified as a Variant of Uncertain Significance.

NM_004104.5(FASN):c.5992G>A (p.Gly1998Ser)

Gene: FASN (fatty acid synthase; minus strand). Cytogenetic location: 17q25.3.
Variant type: single nucleotide variant.
Coding change: c.5992G>A on transcript NM_004104.5 (MANE Select); coding-DNA position 5992, G replaced by A.
Protein change: p.Gly1998Ser; replaces glycine 1998 with serine.
Molecular consequence: missense variant.
Genome position (GRCh38, 1-based): chr17:82,082,342, C>T on the plus strand (G>A on the coding strand, the complement: FASN is on the minus strand). VCF-style: chr17-82082342-C-T. GRCh37 (hg19) VCF-style: chr17-80040218-C-T.
Other names: c.5992G>A (NM_004104.4); short protein forms G1998S.
Identifiers: ClinVar variation 2083080 (VCV002083080.5), dbSNP rs199919989, ClinGen allele CA8851474.